The following is an entry in ClinVar:

NM_001242896.3(DEPDC5):c.3241A>C (p.Thr1081Pro)

Gene: DEPDC5 (DEP domain containing 5, GATOR1 subcomplex subunit; plus strand). Cytogenetic location: 22q12.3.
Variant type: single nucleotide variant.
Coding change: c.3241A>C on transcript NM_001242896.3 (MANE Select); coding-DNA position 3241, A replaced by C.
Protein change: p.Thr1081Pro; replaces threonine 1081 with proline.
Molecular consequence: missense variant. On other transcripts: non-coding transcript variant (5).
Genome position (GRCh38, 1-based): chr22:31,857,530, A>C. VCF-style: chr22-31857530-A-C. GRCh37 (hg19) VCF-style: chr22-32253516-A-C.
Other names: c.3214A>C, p.Thr1072Pro (NM_001136029.4, NM_001369903.1, NM_014662.6); c.3007A>C, p.Thr1003Pro (NM_001242897.2, NM_001363854.2, NM_001364319.2); c.3241A>C, p.Thr1081Pro (NM_001363852.2, NM_001364318.2, NM_001364320.2); c.3157A>C, p.Thr1053Pro (NM_001369901.1, NM_001369902.1); short protein forms T1003P, T1081P, T1072P, T1053P.
Identifiers: ClinVar variation 264761 (VCV000264761.53), dbSNP rs142540948, ClinGen allele CA10196916.

ClinVar aggregate classification (germline): Likely benign. Review status: criteria provided, multiple submitters, no conflicts (2 of 4 stars). 7 submissions from 7 submitters: Likely benign (4). 3 of the submissions do not count toward it. Last evaluated 2025-01-22.

Conditions:
DEPDC5-related disorder. Also called: DEPDC5-related condition; DEPDC5-related related disorder.
Familial focal epilepsy with variable foci (FPEVF). Identifiers: Orphanet 98820, MedGen C1858477, MONDO:0020310.
Self-limited epilepsy with centrotemporal spikes. Also called: Childhood epilepsy with centrotemporal spikes; Rolandic epilepsy. Identifiers: Orphanet 1945, MedGen C0376532, MONDO:0007295.
Inborn genetic diseases. Identifiers: MedGen C0950123, MeSH D030342.
Epilepsy, familial focal, with variable foci 1 (FFEVF1). Also called: DEPDC5-Related Epilepsy. Identifiers: MedGen C4551983, MONDO:0024556, OMIM 604364.

Allele frequency attached by ClinVar (database versions not stated): TOPMed 0.00017; 1000 Genomes Project 0.00020; ExAC 0.00059; ESP Exome Variant Server 0.00008; 1000 Genomes Project 30x 0.00016; gnomAD 0.00017; gnomAD exomes 0.00028 and 0.00017.
gnomAD v4.1: 279 of 1,611,366 alleles (0.017%); highest among the groups gnomAD compares: Non-Finnish European, 0.022%; no homozygotes.

Submissions (7):

Labcorp Genetics (formerly Invitae), Labcorp
Classification: Likely benign for Familial focal epilepsy with variable foci. Last evaluated: 2025-01-22. Review status: criteria provided, single submitter. Criteria: Invitae Variant Classification Sherloc (09022015). Collection method: clinical testing. Allele origin: germline.

Blueprint Genetics
Classification: Likely benign. Last evaluated: 2024-08-16. Review status: criteria provided, single submitter. Criteria: ACMG Guidelines, 2015. Collection method: clinical testing. Allele origin: germline.

CeGaT Center for Human Genetics Tuebingen
Classification: Likely benign. Last evaluated: 2023-01-01. Review status: criteria provided, single submitter. Criteria: CeGaT Center For Human Genetics Tuebingen Variant Classification Criteria Version 2. Collection method: clinical testing. Allele origin: germline. Affected: yes. Observed: 6 variant alleles.
Comment: DEPDC5: BP4

Ambry Genetics
Classification: Likely benign for Inborn genetic diseases. Last evaluated: 2018-12-22. Review status: criteria provided, single submitter. Criteria: Ambry Variant Classification Scheme 2023. Collection method: clinical testing. Allele origin: germline.

PreventionGenetics, part of Exact Sciences
Classification: Likely benign for DEPDC5-related condition. Last evaluated: 2024-07-09. Review status: no assertion criteria provided. Collection method: clinical testing. Allele origin: germline. Not counted in ClinVar's aggregate classification.
Comment: This variant is classified as likely benign based on ACMG/AMP sequence variant interpretation guidelines (Richards et al. 2015 PMID: 25741868, with internal and published modifications).

GeneReviews
No classification provided. Condition: Epilepsy, familial focal, with variable foci 1. Review status: no classification provided. Collection method: literature only. Allele origin: germline. Affected: yes. Not counted in ClinVar's aggregate classification.

Bioinformatics Core, Luxembourg Center for Systems Biomedicine
Classification: Pathogenic for Self-limited epilepsy with centrotemporal spikes. Last evaluated: 2017-01-01. Review status: flagged submission. Collection method: case-control. Allele origin: germline. Affected: yes. Study: EUROEPINOMICS COGIE. Not counted in ClinVar's aggregate classification.
Comment: CAADphred>15
ClinVar note: Reason: Outlier claim with insufficient supporting evidence

Literature cited by the submitters: PubMed 26505888 (cited by GeneReviews); NCBI Bookshelf NBK385626 (cited by GeneReviews); PubMed 29358611 (cited by Bioinformatics Core, Luxembourg Center for Systems Biomedicine).